The following is an entry in ClinVar:

NM_031885.5(BBS2):c.1808A>G (p.Tyr603Cys)

Gene: BBS2 (Bardet-Biedl syndrome 2; minus strand). Cytogenetic location: 16q13.
Variant type: single nucleotide variant.
Coding change: c.1808A>G on transcript NM_031885.5 (MANE Select); coding-DNA position 1808, A replaced by G.
Protein change: p.Tyr603Cys; replaces tyrosine 603 with cysteine.
Molecular consequence: missense variant. On other transcripts: non-coding transcript variant (5).
Genome position (GRCh38, 1-based): chr16:56,497,069, T>C on the plus strand (A>G on the coding strand, the complement: BBS2 is on the minus strand). VCF-style: chr16-56497069-T-C. GRCh37 (hg19) VCF-style: chr16-56530981-T-C.
Other names: c.1808A>G, p.Tyr603Cys (NM_001377456.1); short protein forms Y603C.
Identifiers: ClinVar variation 965647 (VCV000965647.8), dbSNP rs752749569, ClinGen allele CA8065608.
Genomic context (GRCh38, chr16:56,497,069, plus strand): 5'-CTTCGGATCAAATTAGAATGATCAGCCATATCAGCACTGAGCTTCTGATGCACTGAATGA[T>C]ATTCATCCACCTGGAGACCATGAACACTCAGGAATGAAAAAGGCCTCACAAACTTCTTGA-3'
Protein context (NP_114091.4, residues 593-613): LRKVLVKVDE[Tyr603Cys]HSVHQKLSAD

ClinVar aggregate classification (germline): Uncertain significance. Review status: criteria provided, multiple submitters, no conflicts (2 of 4 stars). 6 submissions from 6 submitters: Uncertain significance (4). 2 of the submissions do not count toward it. Last evaluated 2025-10-30.

Conditions:
Bardet-Biedl syndrome 2 (BBS2). Identifiers: Orphanet 110, MedGen C2936863, MONDO:0014432, OMIM 615981.
Retinitis pigmentosa 74 (RP74). Identifiers: Orphanet 791, MedGen C4225281, MONDO:0014692, OMIM 616562.
Bardet-Biedl syndrome (BBS). Identifiers: Orphanet 110, MedGen C0752166, MONDO:0015229.
BBS2-related disorder. Also called: BBS2-related disorders; BBS2-related condition. Identifiers: MedGen CN239228.
Inborn genetic diseases. Identifiers: MedGen C0950123, MeSH D030342.

Allele frequency attached by ClinVar (database versions not stated): ExAC 0.00001; gnomAD 0.00001 and 0.00002; gnomAD exomes 0.00002 and 0.00004; TOPMed 0.00003.
gnomAD v4.1: 58 of 1,610,476 alleles (0.0036%); highest among the groups gnomAD compares: Non-Finnish European, 0.0048%; no homozygotes.

Submissions (6):

Ambry Genetics
Classification: Uncertain significance for Inborn genetic diseases. Last evaluated: 2025-10-30. Review status: criteria provided, single submitter. Criteria: Ambry Variant Classification Scheme 2023. Collection method: clinical testing. Allele origin: germline.

Labcorp Genetics (formerly Invitae), Labcorp
Classification: Uncertain significance for Bardet-Biedl syndrome. Last evaluated: 2022-06-27. Review status: criteria provided, single submitter. Criteria: Invitae Variant Classification Sherloc (09022015). Collection method: clinical testing. Allele origin: germline.
Comment: This sequence change replaces tyrosine, which is neutral and polar, with cysteine, which is neutral and slightly polar, at codon 603 of the BBS2 protein (p.Tyr603Cys). This variant is present in population databases (rs752749569, gnomAD 0.003%). This variant has not been reported in the literature in individuals affected with BBS2-related conditions. ClinVar contains an entry for this variant (Variation ID: 965647). Algorithms developed to predict the effect of missense changes on protein structure and function are either unavailable or do not agree on the potential impact of this missense change (SIFT: "Tolerated"; PolyPhen-2: "Possibly Damaging"; Align-GVGD: "Class C0"). In summary, the available evidence is currently insufficient to determine the role of this variant in disease. Therefore, it has been classified as a Variant of Uncertain Significance.

Fulgent Genetics
Classification: Uncertain significance for Bardet-Biedl syndrome 2; Retinitis pigmentosa 74. Last evaluated: 2021-08-30. Review status: criteria provided, single submitter. Criteria: ACMG Guidelines, 2015. Collection method: clinical testing. Allele origin: unknown.

Blueprint Genetics
Classification: Uncertain significance. Last evaluated: 2021-06-18. Review status: criteria provided, single submitter. Criteria: ACMG Guidelines, 2015. Collection method: clinical testing. Allele origin: germline.

PreventionGenetics, part of Exact Sciences
Classification: Uncertain significance for BBS2-related condition. Last evaluated: 2024-03-08. Review status: no assertion criteria provided. Collection method: clinical testing. Allele origin: germline. Not counted in ClinVar's aggregate classification.
Comment: The BBS2 c.1808A>G variant is predicted to result in the amino acid substitution p.Tyr603Cys. To our knowledge, this variant has not been reported in the literature. This variant is reported in 0.0029% of alleles in individuals of Latino descent in gnomAD. At this time, the clinical significance of this variant is uncertain due to the absence of conclusive functional and genetic evidence.

Natera, Inc.
Classification: Uncertain significance for Bardet-Biedl syndrome type 2. Last evaluated: 2020-12-14. Review status: no assertion criteria provided. Collection method: clinical testing. Allele origin: germline. Not counted in ClinVar's aggregate classification.